The following is an entry in ClinVar:

ClinVar aggregate classification (germline): Uncertain significance (1 of 4 stars; one submission).

Submission:

Labcorp Genetics (formerly Invitae), Labcorp
Classification: Uncertain significance. Last evaluated: 2020-10-05. Review status: criteria provided, single submitter. Criteria: Invitae Variant Classification Sherloc (09022015). Collection method: clinical testing. Allele origin: germline.
Comment: This sequence change replaces proline with serine at codon 1339 of the POGZ protein (p.Pro1339Ser). The proline residue is moderately conserved and there is a moderate physicochemical difference between proline and serine. This variant is not present in population databases (ExAC no frequency). This variant has not been reported in the literature in individuals with POGZ-related conditions. Algorithms developed to predict the effect of missense changes on protein structure and function (SIFT, PolyPhen-2, Align-GVGD) all suggest that this variant is likely to be tolerated, but these predictions have not been confirmed by published functional studies and their clinical significance is uncertain. In summary, the available evidence is currently insufficient to determine the role of this variant in disease. Therefore, it has been classified as a Variant of Uncertain Significance.

NM_015100.4(POGZ):c.4015C>T (p.Pro1339Ser)

Gene: POGZ (pogo transposable element derived with ZNF domain; minus strand). Cytogenetic location: 1q21.3.
Variant type: single nucleotide variant.
Coding change: c.4015C>T on transcript NM_015100.4 (MANE Select); coding-DNA position 4015, C replaced by T.
Protein change: p.Pro1339Ser; replaces proline 1339 with serine.
Molecular consequence: missense variant.
Genome position (GRCh38, 1-based): chr1:151,405,020, G>A on the plus strand (C>T on the coding strand, the complement: POGZ is on the minus strand). VCF-style: chr1-151405020-G-A. GRCh37 (hg19) VCF-style: chr1-151377496-G-A.
Other names: c.3988C>T, p.Pro1330Ser (NM_001194937.2); c.3829C>T, p.Pro1277Ser (NM_001194938.2); c.3730C>T, p.Pro1244Ser (NM_145796.4); c.3856C>T, p.Pro1286Ser (NM_207171.2); short protein forms P1244S, P1277S, P1286S, P1330S, P1339S.
Identifiers: ClinVar variation 1058550 (VCV001058550.9), dbSNP rs2102140718, ClinGen allele CA341935711.